The following is an entry in ClinVar:

ClinVar aggregate classification (germline): Conflicting classifications of pathogenicity. Review status: criteria provided, conflicting classifications (1 of 4 stars). 2 submissions from 2 submitters: Uncertain significance (1); Likely benign (1). Last evaluated 2025-12-21.

Conditions:
COL7A1-related disorder. Also called: COL7A1- related disorders; COL7A1-related condition.

Allele frequency attached by ClinVar (database versions not stated): ExAC 0.00002; gnomAD 0.00003; TOPMed 0.00006; gnomAD exomes 0.00001.

Submissions (2):

Labcorp Genetics (formerly Invitae), Labcorp
Classification: Likely benign. Last evaluated: 2025-12-21. Review status: criteria provided, single submitter. Criteria: Invitae Variant Classification Sherloc (09022015). Collection method: clinical testing. Allele origin: germline.

PreventionGenetics, part of Exact Sciences
Classification: Uncertain significance for COL7A1-related condition. Last evaluated: 2025-08-05. Review status: criteria provided, single submitter. Criteria: ACMG Guidelines, 2015. Collection method: clinical testing. Allele origin: germline.
Comment: The COL7A1 c.6454C>A variant is predicted to result in the amino acid substitution p.Pro2152Thr. To our knowledge, this variant has not been reported in the literature. This variant is reported in 0.025% of alleles in individuals of African descent in gnomAD. At this time, the clinical significance of this variant is uncertain due to the absence of conclusive functional and genetic evidence.

NM_000094.4(COL7A1):c.6454C>A (p.Pro2152Thr)

Gene: COL7A1 (collagen type VII alpha 1 chain; minus strand). Cytogenetic location: 3p21.31.
Variant type: single nucleotide variant.
Coding change: c.6454C>A on transcript NM_000094.4 (MANE Select); coding-DNA position 6454, C replaced by A.
Protein change: p.Pro2152Thr; replaces proline 2152 with threonine.
Molecular consequence: missense variant.
Genome position (GRCh38, 1-based): chr3:48,574,490, G>T on the plus strand (C>A on the coding strand, the complement: COL7A1 is on the minus strand). VCF-style: chr3-48574490-G-T. GRCh37 (hg19) VCF-style: chr3-48611923-G-T.
Other names: short protein forms P2152T.
Identifiers: ClinVar variation 2419083 (VCV002419083.7), dbSNP rs780806207, ClinGen allele CA2379040.